The following is an entry in ClinVar:

NM_025099.6(CTC1):c.3093C>A (p.Ile1031=)

Gene: CTC1 (CST telomere replication complex component 1; minus strand). Cytogenetic location: 17p13.1.
Variant type: single nucleotide variant.
Coding change: c.3093C>A on transcript NM_025099.6 (MANE Select); coding-DNA position 3093, C replaced by A.
Protein change: p.Ile1031=; no amino-acid change (isoleucine 1031 retained).
Molecular consequence: synonymous variant. On other transcripts: non-coding transcript variant (1).
Genome position (GRCh38, 1-based): chr17:8,229,365, G>T on the plus strand (C>A on the coding strand, the complement: CTC1 is on the minus strand). VCF-style: chr17-8229365-G-T. GRCh37 (hg19) VCF-style: chr17-8132683-G-T.
Other names: c.3093C>A, p.Ile1031= (NM_001411067.1).
Identifiers: ClinVar variation 3667604 (VCV003667604.2).

ClinVar aggregate classification (germline): Uncertain significance (1 of 4 stars; one submission).

Conditions:
Dyskeratosis congenita. Identifiers: Orphanet 1775, MedGen C0265965, MONDO:0015780.

Submission:

Labcorp Genetics (formerly Invitae), Labcorp
Classification: Uncertain significance for Dyskeratosis congenita. Last evaluated: 2024-11-30. Review status: criteria provided, single submitter. Criteria: Invitae Variant Classification Sherloc (09022015). Collection method: clinical testing. Allele origin: germline.
Comment: This sequence change affects codon 1031 of the CTC1 mRNA. It is a 'silent' change, meaning that it does not change the encoded amino acid sequence of the CTC1 protein. This variant is not present in population databases (gnomAD no frequency). This variant has not been reported in the literature in individuals affected with CTC1-related conditions. Algorithms developed to predict the effect of sequence changes on RNA splicing suggest that this variant may disrupt the consensus splice site. In summary, the available evidence is currently insufficient to determine the role of this variant in disease. Therefore, it has been classified as a Variant of Uncertain Significance.